The following is an entry in ClinVar:

NM_152564.5(VPS13B):c.8771A>G (p.Tyr2924Cys)

Gene: VPS13B (vacuolar protein sorting 13 homolog B; plus strand). Cytogenetic location: 8q22.2.
Variant type: single nucleotide variant.
Coding change: c.8771A>G on transcript NM_152564.5 (MANE Select); coding-DNA position 8771, A replaced by G.
Protein change: p.Tyr2924Cys; replaces tyrosine 2924 with cysteine.
Molecular consequence: missense variant.
Genome position (GRCh38, 1-based): chr8:99,819,561, A>G. VCF-style: chr8-99819561-A-G. GRCh37 (hg19) VCF-style: chr8-100831789-A-G.
Other names: c.8846A>G, p.Tyr2949Cys (NM_017890.5); short protein forms Y2949C, Y2924C.
Identifiers: ClinVar variation 4751155 (VCV004751155.1).

ClinVar aggregate classification (germline): Uncertain significance (1 of 4 stars; one submission).

Conditions:
Cohen syndrome (COH1). Also called: PEPPER SYNDROME; Cutis verticis gyrata, retinitis pigmentosa, and sensorineural deafness. Identifiers: Orphanet 193, MedGen C0265223, MONDO:0008999, OMIM 216550.

gnomAD v4.1: 9 of 1,613,736 alleles (0.00056%); highest among the groups gnomAD compares: Non-Finnish European, 0.00076%; no homozygotes.

Submission:

Labcorp Genetics (formerly Invitae), Labcorp
Classification: Uncertain significance for Cohen syndrome. Last evaluated: 2025-02-06. Review status: criteria provided, single submitter. Criteria: Invitae Variant Classification Sherloc (09022015). Collection method: clinical testing. Allele origin: germline.
Comment: This sequence change replaces tyrosine, which is neutral and polar, with cysteine, which is neutral and slightly polar, at codon 2949 of the VPS13B protein (p.Tyr2949Cys). This variant is not present in population databases (gnomAD no frequency). This variant has not been reported in the literature in individuals affected with VPS13B-related conditions. Invitae Evidence Modeling of protein sequence and biophysical properties (such as structural, functional, and spatial information, amino acid conservation, physicochemical variation, residue mobility, and thermodynamic stability) indicates that this missense variant is expected to disrupt VPS13B protein function with a positive predictive value of 80%. In summary, the available evidence is currently insufficient to determine the role of this variant in disease. Therefore, it has been classified as a Variant of Uncertain Significance.